The following is an entry in ClinVar:

NM_020778.5(ALPK3):c.276C>T (p.Ser92=)

Gene: ALPK3 (alpha kinase 3; plus strand). Cytogenetic location: 15q25.3.
Variant type: single nucleotide variant.
Coding change: c.276C>T on transcript NM_020778.5 (MANE Select); coding-DNA position 276, C replaced by T.
Protein change: p.Ser92=; no amino-acid change (serine 92 retained).
Molecular consequence: synonymous variant.
Genome position (GRCh38, 1-based): chr15:84,827,577, C>T. VCF-style: chr15-84827577-C-T. GRCh37 (hg19) VCF-style: chr15-85370808-C-T.
Identifiers: ClinVar variation 1643052 (VCV001643052.11), dbSNP rs778957791, ClinGen allele CA7708913.

ClinVar aggregate classification (germline): Likely benign. Review status: criteria provided, multiple submitters, no conflicts (2 of 4 stars). 3 submissions from 3 submitters: Likely benign (3). Last evaluated 2025-12-19.

Conditions:
ALPK3-related disorder. Also called: ALPK3-related condition.
Cardiovascular phenotype. Identifiers: MedGen CN230736.

Allele frequency attached by ClinVar (database versions not stated): ExAC 0.00001; gnomAD 0.00001; gnomAD exomes 0.00001 and 0.00002; TOPMed 0.00002.
gnomAD v4.1: 23 of 1,614,016 alleles (0.0014%); highest among the groups gnomAD compares: Admixed American, 0.01%; no homozygotes.

Submissions (3):

Labcorp Genetics (formerly Invitae), Labcorp
Classification: Likely benign. Last evaluated: 2025-12-19. Review status: criteria provided, single submitter. Criteria: Invitae Variant Classification Sherloc (09022015). Collection method: clinical testing. Allele origin: germline.

PreventionGenetics, part of Exact Sciences
Classification: Likely benign for ALPK3-related condition. Last evaluated: 2025-07-16. Review status: criteria provided, single submitter. Criteria: ACMG Guidelines, 2015. Collection method: clinical testing. Allele origin: germline.
Comment: This variant is classified as likely benign based on ACMG/AMP sequence variant interpretation guidelines (Richards et al. 2015 PMID: 25741868, with internal and published modifications).

Ambry Genetics
Classification: Likely benign for Cardiovascular phenotype. Last evaluated: 2020-11-09. Review status: criteria provided, single submitter. Criteria: Ambry Variant Classification Scheme 2023. Collection method: clinical testing. Allele origin: germline.